The following is an entry in ClinVar:

ClinVar aggregate classification (germline): Conflicting classifications of pathogenicity. Review status: criteria provided, conflicting classifications (1 of 4 stars). 4 submissions from 4 submitters: Uncertain significance (1); Likely benign (3). Last evaluated 2026-01-26.

Conditions:
Singleton-Merten syndrome 1 (SGMRT1). Also called: Widened medullary cavities of bone, aortic calcification, abnormal dentition, and muscular weakness; Syndrome of widened medullary cavities of the metacarpals and phalanges, aortic calcification and abnormal dentition. Identifiers: Orphanet 85191, MedGen C4225427, MONDO:0024535, OMIM 182250.
Aicardi-Goutieres syndrome 7 (AGS7). Identifiers: Orphanet 51, MedGen C3888244, MONDO:0014367, OMIM 615846.
Inborn genetic diseases. Identifiers: MedGen C0950123, MeSH D030342.

Allele frequency attached by ClinVar (database versions not stated): ESP Exome Variant Server 0.00015; TOPMed 0.00026.
gnomAD v4.1: 234 of 1,603,044 alleles (0.015%); highest among the groups gnomAD compares: Admixed American, 0.068%; no homozygotes.

Submissions (4):

Labcorp Genetics (formerly Invitae), Labcorp
Classification: Likely benign for Aicardi-Goutieres syndrome 7; Singleton-Merten syndrome 1. Last evaluated: 2026-01-26. Review status: criteria provided, single submitter. Criteria: Invitae Variant Classification Sherloc (09022015). Collection method: clinical testing. Allele origin: germline.

Mayo Clinic Laboratories, Mayo Clinic
Classification: Uncertain significance. Last evaluated: 2025-10-01. Review status: criteria provided, single submitter. Criteria: ACMG Guidelines, 2015. Collection method: clinical testing. Allele origin: germline. Observed: 1 variant allele.
Comment: BP4_strong

Blueprint Genetics
Classification: Likely benign. Last evaluated: 2024-08-20. Review status: criteria provided, single submitter. Criteria: ACMG Guidelines, 2015. Collection method: clinical testing. Allele origin: germline.

Ambry Genetics
Classification: Likely benign for Inborn genetic diseases. Last evaluated: 2022-06-21. Review status: criteria provided, single submitter. Criteria: Ambry Variant Classification Scheme 2023. Collection method: clinical testing. Allele origin: germline.

NM_022168.4(IFIH1):c.2067G>C (p.Arg689Ser)

Gene: IFIH1 (interferon induced with helicase C domain 1; minus strand). Cytogenetic location: 2q24.2.
Variant type: single nucleotide variant.
Coding change: c.2067G>C on transcript NM_022168.4 (MANE Select); coding-DNA position 2067, G replaced by C.
Protein change: p.Arg689Ser; replaces arginine 689 with serine.
Molecular consequence: missense variant.
Genome position (GRCh38, 1-based): chr2:162,276,924, C>G on the plus strand (G>C on the coding strand, the complement: IFIH1 is on the minus strand). VCF-style: chr2-162276924-C-G. GRCh37 (hg19) VCF-style: chr2-163133434-C-G.
Other names: p.Arg689Ser; c.2067G>C (NM_022168.2); short protein forms R689S.
Identifiers: ClinVar variation 798190 (VCV000798190.14), dbSNP rs376420466, ClinGen allele CA1934297.